The following is an entry in ClinVar:

NM_001354712.2(THRB):c.1045G>A (p.Val349Met)

Gene: THRB (thyroid hormone receptor beta; minus strand). Cytogenetic location: 3p24.2.
Variant type: single nucleotide variant.
Coding change: c.1045G>A on transcript NM_001354712.2 (MANE Select); coding-DNA position 1045, G replaced by A.
Protein change: p.Val349Met; replaces valine 349 with methionine.
Molecular consequence: missense variant. On other transcripts: intron variant (1).
Genome position (GRCh38, 1-based): chr3:24,127,598, C>T on the plus strand (G>A on the coding strand, the complement: THRB is on the minus strand). VCF-style: chr3-24127598-C-T. GRCh37 (hg19) VCF-style: chr3-24169089-C-T.
Other names: c.1045G>A, p.Val349Met (NM_000461.5, NM_001128176.3, NM_001128177.2 and 11 more transcripts); c.952G>A, p.Val318Met (NM_001354714.2, NM_001354715.2); c.973+72G>A (NM_001374827.1); short protein forms V318M, V349M.
Identifiers: ClinVar variation 2682093 (VCV002682093.2), dbSNP rs2471728666, ClinGen allele CA351888695.

ClinVar aggregate classification (germline): Likely pathogenic. Review status: criteria provided, multiple submitters, no conflicts (2 of 4 stars). 2 submissions from 2 submitters: Likely pathogenic (2). Last evaluated 2024-09-13.

Conditions:
Thyroid hormone resistance, generalized, autosomal dominant (GRTHD). Also called: HYPERTHYROXINEMIA, FAMILIAL EUTHYROID, SECONDARY TO PITUITARY AND PERIPHERAL RESISTANCE TO THYROID HORMONES. Identifiers: MedGen C2937288, MONDO:0008569, OMIM 188570.

Submissions (2):

Women's Health and Genetics/Laboratory Corporation of America, LabCorp
Classification: Likely pathogenic for Thyroid hormone resistance, generalized, autosomal dominant. Last evaluated: 2024-09-13. Review status: criteria provided, single submitter. Criteria: LabCorp Variant Classification Summary - May 2015. Collection method: clinical testing. Allele origin: germline.
Comment: Variant summary: THRB c.1045G>A (p.Val349Met) results in a conservative amino acid change located in the Nuclear hormone receptor, ligand-binding domain (IPR000536) of the encoded protein sequence. Three of five in-silico tools predict a damaging effect of the variant on protein function. The variant was absent in 251442 control chromosomes. c.1045G>A has been reported in the literature in heterozygous individuals affected with Thyroid Hormone Resistance, Generalized, Autosomal Dominant (Adams_1994, Kim_2008, Macchia_2014). These data indicate that the variant may be associated with disease. At least one publication reports experimental evidence evaluating an impact on protein function. The most pronounced variant effect results in 20-25% of normal T3 binding constant compared to the wild type protein in an in vitro protein binding assay (Adams_1994, Macchia_2014). The following publications have been ascertained in the context of this evaluation (PMID: 8040303, 18363280, 25040256). ClinVar contains an entry for this variant (Variation ID: 2682093). Based on the evidence outlined above, the variant was classified as likely pathogenic.

Quest Diagnostics Nichols Institute San Juan Capistrano
Classification: Likely pathogenic. Last evaluated: 2023-06-19. Review status: criteria provided, single submitter. Criteria: Quest Diagnostics criteria. Collection method: clinical testing. Allele origin: unknown.
Comment: The THRB c.1045G>A (p.Val349Met) variant has been reported in the published literature in affected individuals with resistance to thyroid hormone (RTH) (PMIDs: 8040303 (1994), 18363280 (2008), and 25040256 (2014)). This variant has not been reported in large, multi-ethnic general populations (Genome Aggregation Database). Analysis of this variant using bioinformatics tools for the prediction of the effect of amino acid changes on protein structure and function yielded predictions that this variant is damaging. Based on the available information, this variant is classified as likely pathogenic.

Literature cited by the submitters: PubMed 8040303 (cited by Women's Health and Genetics/Laboratory Corporation of America, LabCorp and Quest Diagnostics Nichols Institute San Juan Capistrano); PubMed 25040256 (cited by Women's Health and Genetics/Laboratory Corporation of America, LabCorp and Quest Diagnostics Nichols Institute San Juan Capistrano); PubMed 18363280 (cited by Women's Health and Genetics/Laboratory Corporation of America, LabCorp and Quest Diagnostics Nichols Institute San Juan Capistrano).